The following is an entry in ClinVar:

ClinVar aggregate classification (germline): Conflicting classifications of pathogenicity. Review status: criteria provided, conflicting classifications (1 of 4 stars). 3 submissions from 3 submitters: Pathogenic (1); Uncertain significance (1). 1 of the submissions does not count toward it. Last evaluated 2024-11-26.

Conditions:
Marfan syndrome (MFS). Also called: MARFAN SYNDROME, TYPE I; FBN1-Related Marfan Syndrome; Marfan syndrome type 1; Marfan's syndrome; Marfan syndrome, classic. Identifiers: Orphanet 284963, Orphanet 558, MedGen C0024796, MONDO:0007947, OMIM 154700.
Familial thoracic aortic aneurysm and aortic dissection (TAAD). Also called: Thoracic aortic aneurysms and dissections. Identifiers: Orphanet 91387, MedGen C4707243, MONDO:0019625.
Congenital scoliosis. Identifiers: MedGen C0559260.

Submissions (3):

Labcorp Genetics (formerly Invitae), Labcorp
Classification: Pathogenic for Marfan syndrome; Familial thoracic aortic aneurysm and aortic dissection. Last evaluated: 2024-11-26. Review status: criteria provided, single submitter. Criteria: Invitae Variant Classification Sherloc (09022015). Collection method: clinical testing. Allele origin: germline.
Comment: This sequence change replaces glycine, which is neutral and non-polar, with aspartic acid, which is acidic and polar, at codon 2147 of the FBN1 protein (p.Gly2147Asp). This variant is not present in population databases (gnomAD no frequency). This missense change has been observed in individual(s) with clinical features of Marfan syndrome (PMID: 31827250; internal data). In at least one individual the variant was observed to be de novo. ClinVar contains an entry for this variant (Variation ID: 667452). Invitae Evidence Modeling of protein sequence and biophysical properties (such as structural, functional, and spatial information, amino acid conservation, physicochemical variation, residue mobility, and thermodynamic stability) indicates that this missense variant is expected to disrupt FBN1 protein function with a positive predictive value of 95%. For these reasons, this variant has been classified as Pathogenic.

CHEO Genetics Diagnostic Laboratory, Children's Hospital of Eastern Ontario
Classification: Uncertain significance for Familial thoracic aortic aneurysm and aortic dissection. Last evaluated: 2021-06-23. Review status: criteria provided, single submitter. Criteria: ACMG Guidelines, 2015. Collection method: clinical testing. Allele origin: germline.

Beijing Key Laboratory for Genetic Research of Skeletal Deformity, Peking Union Medical College Hospital
Classification: Uncertain significance for Congenital scoliosis. Last evaluated: 2019-06-12. Review status: no assertion criteria provided. Collection method: research. Allele origin: germline. Affected: yes. Not counted in ClinVar's aggregate classification.

Literature cited by the submitters: PubMed 31827250 (cited by Labcorp Genetics (formerly Invitae), Labcorp).

NM_000138.5(FBN1):c.6440G>A (p.Gly2147Asp)

Gene: FBN1 (fibrillin 1; minus strand). Cytogenetic location: 15q21.1.
Variant type: single nucleotide variant.
Coding change: c.6440G>A on transcript NM_000138.5 (MANE Select); coding-DNA position 6440, G replaced by A.
Protein change: p.Gly2147Asp; replaces glycine 2147 with aspartic acid.
Molecular consequence: missense variant.
Genome position (GRCh38, 1-based): chr15:48,437,017, C>T on the plus strand (G>A on the coding strand, the complement: FBN1 is on the minus strand). VCF-style: chr15-48437017-C-T. GRCh37 (hg19) VCF-style: chr15-48729214-C-T.
Other names: short protein forms G2147D.
Identifiers: ClinVar variation 667452 (VCV000667452.13), dbSNP rs1597525958, ClinGen allele CA392336572.